The following is an entry in ClinVar:

ClinVar aggregate classification (germline): Uncertain significance (1 of 4 stars; one submission).

Conditions:
Wilson disease (WND). Also called: Wilson's disease. Identifiers: Orphanet 905, MedGen C0019202, MONDO:0010200, OMIM 277900. Disease mechanism: loss of function.

gnomAD v4.1: 6 of 1,613,928 alleles (0.00037%); highest among the groups gnomAD compares: Non-Finnish European, 0.00042%; no homozygotes.

Submission:

Color Diagnostics, LLC DBA Color Health
Classification: Uncertain significance for Wilson disease. Last evaluated: 2025-08-19. Review status: criteria provided, single submitter. Criteria: ACMG Guidelines, 2015. Collection method: clinical testing. Allele origin: germline.
Comment: This missense variant replaces threonine with isoleucine at codon 357 of the ATP7B protein. Computational prediction suggests that this variant may not impact protein structure and function. To our knowledge, functional studies have not been reported for this variant. This variant has not been reported in individuals affected with ATP7B-related disorders in the literature. This variant has not been identified in the general population by the Genome Aggregation Database (gnomAD). The available evidence is insufficient to determine the role of this variant in disease conclusively. Therefore, this variant is classified as a Variant of Uncertain Significance.

NM_000053.4(ATP7B):c.1070C>T (p.Thr357Ile)

Gene: ATP7B (ATPase copper transporting beta; minus strand). Cytogenetic location: 13q14.3.
Variant type: single nucleotide variant.
Coding change: c.1070C>T on transcript NM_000053.4 (MANE Select); coding-DNA position 1070, C replaced by T.
Protein change: p.Thr357Ile; replaces threonine 357 with isoleucine.
Molecular consequence: missense variant. On other transcripts: intron variant (2).
Genome position (GRCh38, 1-based): chr13:51,974,150, G>A on the plus strand (C>T on the coding strand, the complement: ATP7B is on the minus strand). VCF-style: chr13-51974150-G-A. GRCh37 (hg19) VCF-style: chr13-52548286-G-A.
Other names: c.1070C>T, p.Thr357Ile (NM_001005918.3, NM_001330578.2, NM_001330579.2 and 29 more transcripts); c.974C>T, p.Thr325Ile (NM_001406517.1, NM_001406518.1, NM_001406536.1 and 3 more transcripts); c.803-66C>T (NM_001243182.2); c.707-66C>T (NM_001406539.1); short protein forms T325I, T357I.
Identifiers: ClinVar variation 4758305 (VCV004758305.1).